The following is an entry in ClinVar:

NM_025114.4(CEP290):c.3241G>A (p.Glu1081Lys)

Gene: CEP290 (centrosomal protein 290; minus strand). Cytogenetic location: 12q21.32.
Variant type: single nucleotide variant.
Coding change: c.3241G>A on transcript NM_025114.4 (MANE Select); coding-DNA position 3241, G replaced by A.
Protein change: p.Glu1081Lys; replaces glutamic acid 1081 with lysine.
Molecular consequence: missense variant.
Genome position (GRCh38, 1-based): chr12:88,093,838, C>T on the plus strand (G>A on the coding strand, the complement: CEP290 is on the minus strand). VCF-style: chr12-88093838-C-T. GRCh37 (hg19) VCF-style: chr12-88487615-C-T.
Other names: short protein forms E1081K.
Identifiers: ClinVar variation 3344129 (VCV003344129.1).

ClinVar aggregate classification (germline): Uncertain significance (0 of 4 stars; one submission).

Conditions:
CEP290-related disorder. Also called: CEP290-related condition; CEP290-related disorders. Identifiers: MedGen CN239314.

Submission:

PreventionGenetics, part of Exact Sciences
Classification: Uncertain significance for CEP290-related condition. Last evaluated: 2024-09-18. Review status: no assertion criteria provided. Collection method: clinical testing. Allele origin: germline.
Comment: The CEP290 c.3241G>A variant is predicted to result in the amino acid substitution p.Glu1081Lys. To our knowledge, this variant has not been reported in the literature or in a large population database, indicating this variant is rare. At this time, the clinical significance of this variant is uncertain due to the absence of conclusive functional and genetic evidence.